The following is an entry in ClinVar:

ClinVar aggregate classification (germline): Benign/Likely benign. Review status: criteria provided, multiple submitters, no conflicts (2 of 4 stars). 4 submissions from 4 submitters: Benign (1); Likely benign (3). Last evaluated 2026-01-05.

Conditions:
Birt-Hogg-Dube syndrome 1 (BHD1). Also called: FIBROFOLLICULOMAS WITH TRICHODISCOMAS AND ACROCHORDONS. Identifiers: Orphanet 122, MedGen CN375946, MONDO:0800445, OMIM 135150.
FLCN-related disorder. Also called: FLCN-related condition.
Hereditary cancer-predisposing syndrome. Also called: Hereditary Cancer Syndrome; Tumor predisposition; Hereditary neoplastic syndrome; Neoplastic Syndromes, Hereditary. Identifiers: Orphanet 140162, MedGen C0027672, MeSH D009386, MONDO:0015356.
Birt-Hogg-Dube syndrome. Also called: Birt Hogg Dubé syndrome. Identifiers: Orphanet 122, MedGen C0346010, MONDO:0800444.

Allele frequency attached by ClinVar (database versions not stated): ExAC 0.00001; gnomAD 0.00001; gnomAD exomes 0.00001; TOPMed 0.00001.
gnomAD v4.1: 5 of 1,613,488 alleles (0.00031%); highest among the groups gnomAD compares: Non-Finnish European, 0.00042%; no homozygotes.

Submissions (4):

PreventionGenetics, part of Exact Sciences
Classification: Likely benign for FLCN-related condition. Last evaluated: 2026-01-05. Review status: criteria provided, single submitter. Criteria: ACMG Guidelines, 2015. Collection method: clinical testing. Allele origin: germline.
Comment: This variant is classified as likely benign based on ACMG/AMP sequence variant interpretation guidelines (Richards et al. 2015 PMID: 25741868, with internal and published modifications).

Labcorp Genetics (formerly Invitae), Labcorp
Classification: Likely benign for Birt-Hogg-Dube syndrome. Last evaluated: 2025-05-21. Review status: criteria provided, single submitter. Criteria: Invitae Variant Classification Sherloc (09022015). Collection method: clinical testing. Allele origin: germline.

Myriad Genetics, Inc.
Classification: Benign for Birt-Hogg-Dube syndrome 1. Last evaluated: 2024-10-23. Review status: criteria provided, single submitter. Criteria: Myriad Autosomal Dominant, Autosomal Recessive and X-Linked Classification Criteria (2023). Collection method: clinical testing. Allele origin: unknown.
Comment: This variant is considered benign. This variant is a silent/synonymous amino acid change and it is not expected to impact splicing.

Ambry Genetics
Classification: Likely benign for Hereditary cancer-predisposing syndrome. Last evaluated: 2022-04-11. Review status: criteria provided, single submitter. Criteria: Ambry Variant Classification Scheme 2023. Collection method: clinical testing. Allele origin: germline.

NM_144997.7(FLCN):c.565C>T (p.Leu189=)

Gene: FLCN (folliculin; minus strand). Cytogenetic location: 17p11.2.
Variant type: single nucleotide variant.
Coding change: c.565C>T on transcript NM_144997.7 (MANE Select); coding-DNA position 565, C replaced by T.
Protein change: p.Leu189=; no amino-acid change (leucine 189 retained).
Molecular consequence: synonymous variant.
Genome position (GRCh38, 1-based): chr17:17,223,975, G>A on the plus strand (C>T on the coding strand, the complement: FLCN is on the minus strand). VCF-style: chr17-17223975-G-A. GRCh37 (hg19) VCF-style: chr17-17127289-G-A.
Other names: c.565C>T (LRG_325t1); c.619C>T, p.Leu207= (NM_001353229.2); c.565C>T, p.Leu189= (NM_001353230.2, NM_001353231.2, NM_144606.7).
Identifiers: ClinVar variation 415609 (VCV000415609.15), dbSNP rs781433539, ClinGen allele CA8416382.
Genomic context (GRCh38, chr17:17,223,975, plus strand): 5'-AATTCACCTTGAGCGCCTTGCCCTGGAGCTCATCGATGATTCCCCGGACCTTCCCCAGCA[G>A]GAAGGGCCAGGAGTTGATGAGGTAGATCCGGTCCATCATGATGGTGATGATGCTGTACCA-3'
Protein context (NP_659434.2, residues 179-199): RIYLINSWPF[Leu189=]LGKVRGIIDE